The following is an entry in ClinVar:

ClinVar aggregate classification (germline): Uncertain significance (1 of 4 stars; one submission).

Conditions:
Oculocerebrodental syndrome (OCSKD). Also called: OCULOSKELETODENTAL SYNDROME; CATARACTS, EARLY-ONSET, WITH SKELETAL AND DENTAL ANOMALIES. Identifiers: Orphanet 557003, MedGen C5193101, MONDO:0034145, OMIM 618440.

Submission:

Juno Genomics, Hangzhou Juno Genomics, Inc
Classification: Uncertain significance for Oculocerebrodental syndrome. Review status: criteria provided, single submitter. Criteria: ACMG Guidelines, 2015. Collection method: clinical testing. Allele origin: germline.
Comment: Absent from controls (or at extremely low frequency if recessive) in Genome Aggregation Database.;Multiple lines of computational evidence support a deleterious effect on the gene or gene product.

NM_002645.4(PIK3C2A):c.2827T>G (p.Leu943Val)

Gene: PIK3C2A (phosphatidylinositol-4-phosphate 3-kinase catalytic subunit type 2 alpha; minus strand). Cytogenetic location: 11p15.1.
Variant type: single nucleotide variant.
Coding change: c.2827T>G on transcript NM_002645.4 (MANE Select); coding-DNA position 2827, T replaced by G.
Protein change: p.Leu943Val; replaces leucine 943 with valine.
Molecular consequence: missense variant.
Genome position (GRCh38, 1-based): chr11:17,119,805, A>C on the plus strand (T>G on the coding strand, the complement: PIK3C2A is on the minus strand). VCF-style: chr11-17119805-A-C. GRCh37 (hg19) VCF-style: chr11-17141352-A-C.
Other names: c.2827T>G, p.Leu943Val (NM_001321378.2); c.1687T>G, p.Leu563Val (NM_001321380.2); c.2659T>G, p.Leu887Val (NM_001386870.1); short protein forms L887V, L943V, L563V.
Identifiers: ClinVar variation 5007822 (VCV005007822.2).